The following is an entry in ClinVar:

ClinVar aggregate classification (germline): Uncertain significance. Review status: criteria provided, multiple submitters, no conflicts (2 of 4 stars). 2 submissions from 2 submitters: Uncertain significance (2). Last evaluated 2022-02-10.

Conditions:
Hereditary cancer-predisposing syndrome. Also called: Neoplastic Syndromes, Hereditary; Tumor predisposition; Hereditary Cancer Syndrome; Hereditary neoplastic syndrome. Identifiers: Orphanet 140162, MedGen C0027672, MeSH D009386, MONDO:0015356.
BAP1-related tumor predisposition syndrome (TPDS1). Also called: Tumor susceptibility linked to germline BAP1 mutations; COMMON Syndrome; TUMOR PREDISPOSITION SYNDROME 1; BAP1 tumor predisposition syndrome. Identifiers: Orphanet 289539, MedGen C3280492, MONDO:0013692, OMIM 614327.

Allele frequency attached by ClinVar (database versions not stated): gnomAD exomes 0.00001; ExAC 0.00002.

Submissions (2):

Labcorp Genetics (formerly Invitae), Labcorp
Classification: Uncertain significance for BAP1-related tumor predisposition syndrome. Last evaluated: 2022-02-10. Review status: criteria provided, single submitter. Criteria: Invitae Variant Classification Sherloc (09022015). Collection method: clinical testing. Allele origin: germline.
Comment: In summary, the available evidence is currently insufficient to determine the role of this variant in disease. Therefore, it has been classified as a Variant of Uncertain Significance. Algorithms developed to predict the effect of sequence changes on RNA splicing suggest that this variant may create or strengthen a splice site. ClinVar contains an entry for this variant (Variation ID: 924743). This variant has not been reported in the literature in individuals affected with BAP1-related conditions. This variant is present in population databases (rs755059361, gnomAD 0.003%). This sequence change falls in intron 12 of the BAP1 gene. It does not directly change the encoded amino acid sequence of the BAP1 protein.

Color Diagnostics, LLC DBA Color Health
Classification: Uncertain significance for Hereditary cancer-predisposing syndrome. Last evaluated: 2019-06-28. Review status: criteria provided, single submitter. Criteria: ACMG Guidelines, 2015. Collection method: clinical testing. Allele origin: germline.

NM_004656.4(BAP1):c.1251-20C>G

Gene: BAP1 (BRCA1 associated deubiquitinase 1; minus strand). Cytogenetic location: 3p21.1.
Variant type: single nucleotide variant.
Coding change: c.1251-20C>G on transcript NM_004656.4 (MANE Select); 20 bases into the intron before coding-DNA position 1251, C replaced by G.
Molecular consequence: intron variant.
Genome position (GRCh38, 1-based): chr3:52,403,914, G>C on the plus strand (C>G on the coding strand, the complement: BAP1 is on the minus strand). VCF-style: chr3-52403914-G-C. GRCh37 (hg19) VCF-style: chr3-52437930-G-C.
Identifiers: ClinVar variation 924743 (VCV000924743.10), dbSNP rs755059361, ClinGen allele CA2436847.